The following is an entry in ClinVar:

NM_001025295.2(IFITM5):c.-229A>T

Gene: IFITM5 (interferon induced transmembrane protein 5; minus strand). Cytogenetic location: 11p15.5.
Variant type: single nucleotide variant.
Coding change: c.-229A>T on transcript NM_001025295.2; 229 bases upstream of the start codon, A replaced by T.
Genome position (GRCh38, 1-based): chr11:299,719, T>A on the plus strand (A>T on the coding strand, the complement: IFITM5 is on the minus strand). VCF-style: chr11-299719-T-A. GRCh37 (hg19) VCF-style: chr11-299719-T-A.
Identifiers: ClinVar variation 667613 (VCV000667613.3), dbSNP rs61876236, ClinGen allele CA13405116.
Genomic context (GRCh38, chr11:299,719, plus strand): 5'-GCCCCTGTCCGAGGCTGCCTTGGACCACCCAGCAGGGTCCCTCCTGACAGACATCCCATC[T>A]GGGAGCCCCCCGCTTGGAAGGCTACGGCCGGGCAGTGGCAGAGACCCCCACCCATCCCCC-3'

ClinVar aggregate classification (germline): Benign (1 of 4 stars; one submission).

Allele frequency attached by ClinVar (database versions not stated): 1000 Genomes Project 0.25499; gnomAD 0.32724 and 0.32997; 1000 Genomes Project 30x 0.25625; TOPMed 0.30729.

Submission:

GeneDx
Classification: Benign. Last evaluated: 2018-06-19. Review status: criteria provided, single submitter. Criteria: GeneDx Variant Classification (06012015). Collection method: clinical testing. Allele origin: germline. Affected: yes.
Comment: This variant is considered likely benign or benign based on one or more of the following criteria: it is a conservative change, it occurs at a poorly conserved position in the protein, it is predicted to be benign by multiple in silico algorithms, and/or has population frequency not consistent with disease.